The following is an entry in ClinVar:

ClinVar aggregate classification (germline): Pathogenic/Likely pathogenic. Review status: criteria provided, multiple submitters, no conflicts (2 of 4 stars). 3 submissions from 3 submitters: Pathogenic (1); Likely pathogenic (2). Last evaluated 2026-01-13.

Conditions:
Juvenile retinoschisis (RS1). Also called: X-linked retinoschisis; X-Linked Juvenile Retinoschisis. Identifiers: Orphanet 792, MedGen C3714753, MONDO:0010725, OMIM 312700.
RS1-related disorder. Also called: RS1-related condition.

Submissions (3):

Natera, Inc.
Classification: Likely pathogenic for X-linked retinoschisis. Last evaluated: 2026-01-13. Review status: criteria provided, single submitter. Criteria: Natera Variant Classification Schema (03/2026). Collection method: clinical testing. Allele origin: germline.
Comment: The c.499A>G variant in RS1 is a missense variant predicted to cause substitution of lysine to glutamic acid at amino acid 167. This variant is rare in the general population with a frequency below the threshold expected for the associated phenotype(s). This variant has been observed in affected individual(s) with monoallelic occurrence (heterozygous/hemizygous) (PMID: 24505212, 39293640). This variant has been identified in one or more affected individual with a phenotype highly consistent with the associated gene (PMID: 24505212, 39293640). Computational prediction algorithms indicate this variant is likely to affect gene or protein function. Given the available evidence, this variant is classified as Likely Pathogenic.

Labcorp Genetics (formerly Invitae), Labcorp
Classification: Likely pathogenic. Last evaluated: 2022-12-16. Review status: criteria provided, single submitter. Criteria: Invitae Variant Classification Sherloc (09022015). Collection method: clinical testing. Allele origin: germline.
Comment: In summary, the currently available evidence indicates that the variant is pathogenic, but additional data are needed to prove that conclusively. Therefore, this variant has been classified as Likely Pathogenic. This variant disrupts the p.Lys167 amino acid residue in RS1. Other variant(s) that disrupt this residue have been observed in individuals with RS1-related conditions (PMID: 12920343), which suggests that this may be a clinically significant amino acid residue. Advanced modeling of protein sequence and biophysical properties (such as structural, functional, and spatial information, amino acid conservation, physicochemical variation, residue mobility, and thermodynamic stability) performed at Invitae indicates that this missense variant is expected to disrupt RS1 protein function. This missense change has been observed in individual(s) with retinoschisis (PMID: 24505212). This variant is not present in population databases (gnomAD no frequency). This sequence change replaces lysine, which is basic and polar, with glutamic acid, which is acidic and polar, at codon 167 of the RS1 protein (p.Lys167Glu).

Blueprint Genetics
Classification: Pathogenic for RS1-related disorders. Last evaluated: 2022-11-29. Review status: criteria provided, single submitter. Criteria: ACMG Guidelines, 2015. Collection method: clinical testing. Allele origin: germline. Affected: yes. Observed: 3 variant alleles.

Literature cited by the submitters: PubMed 24505212 (cited by Natera, Inc. and Labcorp Genetics (formerly Invitae), Labcorp); PubMed 39293640 (cited by Natera, Inc.); PubMed 12920343 (cited by Labcorp Genetics (formerly Invitae), Labcorp).

NM_000330.4(RS1):c.499A>G (p.Lys167Glu)

Genes: CDKL5 (cyclin dependent kinase like 5; plus strand), RS1 (retinoschisin 1; minus strand). Cytogenetic location: Xp22.13.
Variant type: single nucleotide variant.
Coding change: c.499A>G on transcript NM_000330.4 (MANE Select); coding-DNA position 499, A replaced by G.
Protein change: p.Lys167Glu; replaces lysine 167 with glutamic acid.
Molecular consequence: missense variant. On other transcripts: intron variant (2).
Genome position (GRCh38, 1-based): chrX:18,644,453, T>C on the plus strand (A>G on the coding strand, the complement: RS1 is on the minus strand). VCF-style: chrX-18644453-T-C. GRCh37 (hg19) VCF-style: chrX-18662573-T-C.
Other names: c.2714-1554T>C (NM_003159.3, NM_001037343.2); short protein forms K167E.
Identifiers: ClinVar variation 2737089 (VCV002737089.4), dbSNP rs61753167, ClinGen allele CA412371313.